The following is an entry in ClinVar:

NM_023036.6(DNAI2):c.1130C>T (p.Pro377Leu)

Gene: DNAI2 (dynein axonemal intermediate chain 2; plus strand). Cytogenetic location: 17q25.1.
Variant type: single nucleotide variant.
Coding change: c.1130C>T on transcript NM_023036.6 (MANE Select); coding-DNA position 1130, C replaced by T.
Protein change: p.Pro377Leu; replaces proline 377 with leucine.
Molecular consequence: missense variant. On other transcripts: non-coding transcript variant (1).
Genome position (GRCh38, 1-based): chr17:74,305,361, C>T. VCF-style: chr17-74305361-C-T. GRCh37 (hg19) VCF-style: chr17-72301500-C-T.
Other names: c.1130C>T, p.Pro377Leu (NM_001172810.3, NM_001353167.2); short protein forms P377L.
Identifiers: ClinVar variation 977559 (VCV000977559.6), dbSNP rs199726930, ClinGen allele CA8745613.

ClinVar aggregate classification (germline): Uncertain significance. Review status: criteria provided, multiple submitters, no conflicts (2 of 4 stars). 4 submissions from 4 submitters: Uncertain significance (4). Last evaluated 2022-05-16.

Conditions:
Primary ciliary dyskinesia 9. Also called: CILIARY DYSKINESIA, PRIMARY, 9, WITH OR WITHOUT SITUS INVERSUS. Identifiers: Orphanet 244, MedGen C2676235, MONDO:0012906, OMIM 612444.
Primary ciliary dyskinesia. Also called: Ciliary dyskinesia. Identifiers: Orphanet 244, MedGen C0008780, MONDO:0016575, HP:0012265.

Allele frequency attached by ClinVar (database versions not stated): TOPMed 0.00003; 1000 Genomes Project 30x 0.00016.

Submissions (4):

Labcorp Genetics (formerly Invitae), Labcorp
Classification: Uncertain significance for Primary ciliary dyskinesia. Last evaluated: 2022-05-16. Review status: criteria provided, single submitter. Criteria: Invitae Variant Classification Sherloc (09022015). Collection method: clinical testing. Allele origin: germline.
Comment: This sequence change replaces proline, which is neutral and non-polar, with leucine, which is neutral and non-polar, at codon 377 of the DNAI2 protein (p.Pro377Leu). This variant is present in population databases (rs199726930, gnomAD 0.01%). This variant has not been reported in the literature in individuals affected with DNAI2-related conditions. ClinVar contains an entry for this variant (Variation ID: 977559). Algorithms developed to predict the effect of missense changes on protein structure and function (SIFT, PolyPhen-2, Align-GVGD) all suggest that this variant is likely to be tolerated. In summary, the available evidence is currently insufficient to determine the role of this variant in disease. Therefore, it has been classified as a Variant of Uncertain Significance.

Ambry Genetics
Classification: Uncertain significance for Primary ciliary dyskinesia. Last evaluated: 2021-09-17. Review status: criteria provided, single submitter. Criteria: Ambry Variant Classification Scheme 2023. Collection method: clinical testing. Allele origin: germline.

Fulgent Genetics
Classification: Uncertain significance for Primary ciliary dyskinesia 9. Last evaluated: 2021-07-21. Review status: criteria provided, single submitter. Criteria: ACMG Guidelines, 2015. Collection method: clinical testing. Allele origin: unknown.

UNC Molecular Genetics  Laboratory, University of North Carolina at Chapel Hill
Classification: Uncertain significance for Primary ciliary dyskinesia. Last evaluated: 2018-01-04. Review status: criteria provided, single submitter. Criteria: ACMG Guidelines, 2015. Collection method: clinical testing. Allele origin: germline. Observed: 1 heterozygote.